The following is an entry in ClinVar:

ClinVar aggregate classification (germline): Uncertain significance. Review status: criteria provided, multiple submitters, no conflicts (2 of 4 stars). 2 submissions from 2 submitters: Uncertain significance (2). Last evaluated 2025-01-13.

Conditions:
Oligodontia-cancer predisposition syndrome. Also called: TOOTH AGENESIS-COLORECTAL CANCER SYNDROME. Identifiers: Orphanet 300576, MedGen C1837750, MONDO:0012075, OMIM 608615. Disease mechanism: loss of function.
Hereditary cancer-predisposing syndrome. Also called: Neoplastic Syndromes, Hereditary; Tumor predisposition; Hereditary neoplastic syndrome; Hereditary Cancer Syndrome. Identifiers: Orphanet 140162, MedGen C0027672, MeSH D009386, MONDO:0015356.

Submissions (2):

Ambry Genetics
Classification: Uncertain significance for Hereditary cancer-predisposing syndrome. Last evaluated: 2025-01-13. Review status: criteria provided, single submitter. Criteria: Ambry Variant Classification Scheme 2023. Collection method: clinical testing. Allele origin: germline.
Comment: The p.W822R variant (also known as c.2464T>C), located in coding exon 10 of the AXIN2 gene, results from a T to C substitution at nucleotide position 2464. The tryptophan at codon 822 is replaced by arginine, an amino acid with dissimilar properties. This amino acid position is conserved. In addition, the in silico prediction for this alteration is inconclusive. Based on the available evidence, the clinical significance of this variant remains unclear.

Labcorp Genetics (formerly Invitae), Labcorp
Classification: Uncertain significance for Oligodontia-cancer predisposition syndrome. Last evaluated: 2023-06-16. Review status: criteria provided, single submitter. Criteria: Invitae Variant Classification Sherloc (09022015). Collection method: clinical testing. Allele origin: germline.
Comment: Advanced modeling of protein sequence and biophysical properties (such as structural, functional, and spatial information, amino acid conservation, physicochemical variation, residue mobility, and thermodynamic stability) performed at Invitae indicates that this missense variant is not expected to disrupt AXIN2 protein function. This variant has not been reported in the literature in individuals affected with AXIN2-related conditions. This variant is not present in population databases (gnomAD no frequency). This sequence change replaces tryptophan, which is neutral and slightly polar, with arginine, which is basic and polar, at codon 822 of the AXIN2 protein (p.Trp822Arg). In summary, the available evidence is currently insufficient to determine the role of this variant in disease. Therefore, it has been classified as a Variant of Uncertain Significance.

NM_004655.4(AXIN2):c.2464T>C (p.Trp822Arg)

Gene: AXIN2 (axin 2; minus strand). Cytogenetic location: 17q24.1.
Variant type: single nucleotide variant.
Coding change: c.2464T>C on transcript NM_004655.4 (MANE Select); coding-DNA position 2464, T replaced by C.
Protein change: p.Trp822Arg; replaces tryptophan 822 with arginine.
Molecular consequence: missense variant.
Genome position (GRCh38, 1-based): chr17:65,530,044, A>G on the plus strand (T>C on the coding strand, the complement: AXIN2 is on the minus strand). VCF-style: chr17-65530044-A-G. GRCh37 (hg19) VCF-style: chr17-63526162-A-G.
Other names: c.2269T>C, p.Trp757Arg (NM_001363813.1); short protein forms W757R, W822R.
Identifiers: ClinVar variation 3011351 (VCV003011351.4), dbSNP rs2509368531, ClinGen allele CA400674855.